The following is an entry in ClinVar:

ClinVar aggregate classification (germline): Likely benign (1 of 4 stars; one submission).

Conditions:
EPPK1-related disorder. Also called: EPPK1-related condition.

Submission:

PreventionGenetics, part of Exact Sciences
Classification: Likely benign for EPPK1-related condition. Last evaluated: 2021-11-26. Review status: criteria provided, single submitter. Criteria: ACMG Guidelines, 2015. Collection method: clinical testing. Allele origin: germline.
Comment: This variant is classified as likely benign based on ACMG/AMP sequence variant interpretation guidelines (Richards et al. 2015 PMID: 25741868, with internal and published modifications).

NM_031308.4(EPPK1):c.6654C>A (p.Arg2218=)

Gene: EPPK1 (epiplakin 1; minus strand). Cytogenetic location: 8q24.3.
Variant type: single nucleotide variant.
Coding change: c.6654C>A on transcript NM_031308.4 (MANE Select); coding-DNA position 6654, C replaced by A.
Protein change: p.Arg2218=; no amino-acid change (arginine 2218 retained).
Molecular consequence: synonymous variant.
Genome position (GRCh38, 1-based): chr8:143,866,600, G>T on the plus strand (C>A on the coding strand, the complement: EPPK1 is on the minus strand). VCF-style: chr8-143866600-G-T.
Identifiers: ClinVar variation 3029183 (VCV003029183.1), dbSNP rs2539010393, ClinGen allele CA2740095390.